The following is an entry in ClinVar:

NM_024928.5(STN1):c.883A>G (p.Arg295Gly)

Gene: STN1 (STN1 subunit of CST complex; minus strand). Cytogenetic location: 10q24.33.
Variant type: single nucleotide variant.
Coding change: c.883A>G on transcript NM_024928.5 (MANE Select); coding-DNA position 883, A replaced by G.
Protein change: p.Arg295Gly; replaces arginine 295 with glycine.
Molecular consequence: missense variant.
Genome position (GRCh38, 1-based): chr10:103,889,138, T>C on the plus strand (A>G on the coding strand, the complement: STN1 is on the minus strand). VCF-style: chr10-103889138-T-C. GRCh37 (hg19) VCF-style: chr10-105648896-T-C.
Other names: c.883A>G (NM_024928.4); short protein forms R295G.
Identifiers: ClinVar variation 1466959 (VCV001466959.9), dbSNP rs1843122294, ClinGen allele CA378043848.

ClinVar aggregate classification (germline): Uncertain significance. Review status: criteria provided, multiple submitters, no conflicts (2 of 4 stars). 2 submissions from 2 submitters: Uncertain significance (2). Last evaluated 2023-03-09.

Allele frequency attached by ClinVar (database versions not stated): gnomAD exomes below 0.00001.
gnomAD v4.1: 1 of 1,611,750 alleles (0.000062%); highest among the groups gnomAD compares: Non-Finnish European, 0.000085%; no homozygotes.

Submissions (2):

GeneDx
Classification: Uncertain significance. Last evaluated: 2023-03-09. Review status: criteria provided, single submitter. Criteria: GeneDx Variant Classification Process June 2021. Collection method: clinical testing. Allele origin: germline. Affected: yes.
Comment: Not observed at significant frequency in large population cohorts (gnomAD); In silico analysis supports that this missense variant does not alter protein structure/function; Has not been previously published as pathogenic or benign to our knowledge

Labcorp Genetics (formerly Invitae), Labcorp
Classification: Uncertain significance. Last evaluated: 2022-02-05. Review status: criteria provided, single submitter. Criteria: Invitae Variant Classification Sherloc (09022015). Collection method: clinical testing. Allele origin: germline.
Comment: This variant has not been reported in the literature in individuals affected with STN1-related conditions. In summary, the available evidence is currently insufficient to determine the role of this variant in disease. Therefore, it has been classified as a Variant of Uncertain Significance. Algorithms developed to predict the effect of missense changes on protein structure and function (SIFT, PolyPhen-2, Align-GVGD) all suggest that this variant is likely to be tolerated. This variant is not present in population databases (gnomAD no frequency). This sequence change replaces arginine, which is basic and polar, with glycine, which is neutral and non-polar, at codon 295 of the STN1 protein (p.Arg295Gly).